The following is an entry in ClinVar:

ClinVar aggregate classification (germline): Pathogenic (1 of 4 stars; one submission).

Allele frequency attached by ClinVar (database versions not stated): TOPMed below 0.00001.

Submission:

Labcorp Genetics (formerly Invitae), Labcorp
Classification: Pathogenic. Last evaluated: 2022-11-03. Review status: criteria provided, single submitter. Criteria: Invitae Variant Classification Sherloc (09022015). Collection method: clinical testing. Allele origin: germline.
Comment: For these reasons, this variant has been classified as Pathogenic. ClinVar contains an entry for this variant (Variation ID: 1402816). This variant has not been reported in the literature in individuals affected with ABCA4-related conditions. This variant is not present in population databases (gnomAD no frequency). This sequence change creates a premature translational stop signal (p.Trp605Glyfs*44) in the ABCA4 gene. It is expected to result in an absent or disrupted protein product. Loss-of-function variants in ABCA4 are known to be pathogenic (PMID: 10958761, 24938718, 25312043, 26780318).

Literature cited by the submitters: PubMed 10958761; PubMed 24938718; PubMed 25312043; PubMed 26780318.

NM_000350.3(ABCA4):c.1813del (p.Trp605fs)

Gene: ABCA4 (ATP binding cassette subfamily A member 4; minus strand). Cytogenetic location: 1p22.1.
Variant type: Deletion.
Coding change: c.1813del on transcript NM_000350.3 (MANE Select); coding-DNA position 1813, one base deleted (T; older notation c.1813delT).
Protein change: p.Trp605fs; shifts the reading frame from tryptophan 605.
Molecular consequence: frameshift variant.
Genome position (GRCh38, 1-based): chr1:94,062,701, A deleted on the plus strand (T on the coding strand, the reverse complement: ABCA4 is on the minus strand). VCF-style (leftmost placement, unchanged base first): chr1-94062700-CA-C. GRCh37 (hg19) VCF-style: chr1-94528256-CA-C.
Other names: c.1813delT, p.Trp605Glyfs (NM_001425324.1); short protein forms W605fs.
Identifiers: ClinVar variation 1402816 (VCV001402816.6), dbSNP rs1661165160, ClinGen allele CA1181418850.